The following is an entry in ClinVar:

ClinVar aggregate classification (germline): Uncertain significance. Review status: criteria provided, multiple submitters, no conflicts (2 of 4 stars). 2 submissions from 2 submitters: Uncertain significance (2). Last evaluated 2023-06-21.

Conditions:
Nephronophthisis. Also called: Juvenile Nephronophthisis. Identifiers: Orphanet 655, MedGen C0687120, MONDO:0019005, HP:0000090.
Jeune thoracic dystrophy. Also called: Infantile thoracic dystrophy; Thoracic pelvic phalangeal dystrophy; Jeune's syndrome; Chondroectodermal dysplasia-like syndrome; Jeune syndrome; Short-rib thoracic dysplasia. Identifiers: Orphanet 474, MedGen C0265275, MONDO:0018770.

gnomAD v4.1: 1 of 1,613,762 alleles (0.000062%); highest among the groups gnomAD compares: Non-Finnish European, 0.000085%; no homozygotes.

Submissions (2):

Blueprint Genetics
Classification: Uncertain significance. Last evaluated: 2023-06-21. Review status: criteria provided, single submitter. Criteria: ACMG Guidelines, 2015. Collection method: clinical testing. Allele origin: germline.

Labcorp Genetics (formerly Invitae), Labcorp
Classification: Uncertain significance for Jeune thoracic dystrophy; Nephronophthisis. Last evaluated: 2021-07-20. Review status: criteria provided, single submitter. Criteria: Invitae Variant Classification Sherloc (09022015). Collection method: clinical testing. Allele origin: germline.
Comment: Algorithms developed to predict the effect of sequence changes on RNA splicing suggest that this variant may create or strengthen a splice site, but this prediction has not been confirmed by published transcriptional studies. This sequence change replaces aspartic acid with valine at codon 1305 of the TTC21B protein (p.Asp1305Val). The aspartic acid residue is moderately conserved and there is a large physicochemical difference between aspartic acid and valine. This variant is not present in population databases (ExAC no frequency). This variant has not been reported in the literature in individuals with TTC21B-related conditions. Algorithms developed to predict the effect of missense changes on protein structure and function are either unavailable or do not agree on the potential impact of this missense change (SIFT: "Deleterious"; PolyPhen-2: "Probably Damaging"; Align-GVGD: "Class C0"). In summary, the available evidence is currently insufficient to determine the role of this variant in disease. Therefore, it has been classified as a Variant of Uncertain Significance.

NM_024753.5(TTC21B):c.3914A>T (p.Asp1305Val)

Gene: TTC21B (tetratricopeptide repeat domain 21B; minus strand). Cytogenetic location: 2q24.3.
Variant type: single nucleotide variant.
Coding change: c.3914A>T on transcript NM_024753.5 (MANE Select); coding-DNA position 3914, A replaced by T.
Protein change: p.Asp1305Val; replaces aspartic acid 1305 with valine.
Molecular consequence: missense variant.
Genome position (GRCh38, 1-based): chr2:165,874,792, T>A on the plus strand (A>T on the coding strand, the complement: TTC21B is on the minus strand). VCF-style: chr2-165874792-T-A. GRCh37 (hg19) VCF-style: chr2-166731302-T-A.
Other names: short protein forms D1305V.
Identifiers: ClinVar variation 1358768 (VCV001358768.9), dbSNP rs147540469, ClinGen allele CA349044406.